The following is an entry in ClinVar:

ClinVar aggregate classification (germline): Benign (0 of 4 stars; one submission).

Conditions:
KLK3-related disorder. Also called: KLK3-related condition.

Allele frequency attached by ClinVar (database versions not stated): 1000 Genomes Project 0.08746; 1000 Genomes Project 30x 0.09088; gnomAD 0.10479; TOPMed 0.10802; ExAC 0.10883; ESP Exome Variant Server 0.11195; gnomAD exomes 0.11985.
gnomAD v4.1: 191,257 of 1,613,068 alleles (12%); highest among the groups gnomAD compares: Middle Eastern, 20%; 11,850 homozygotes.

Submission:

PreventionGenetics, part of Exact Sciences
Classification: Benign for KLK3-related condition. Last evaluated: 2019-11-12. Review status: no assertion criteria provided. Collection method: clinical testing. Allele origin: germline.
Comment: This variant is classified as benign based on ACMG/AMP sequence variant interpretation guidelines (Richards et al. 2015 PMID: 25741868, with internal and published modifications).

NM_001648.2(KLK3):c.237C>T (p.Ser79=)

Gene: KLK3 (kallikrein related peptidase 3; plus strand). Cytogenetic location: 19q13.33.
Variant type: single nucleotide variant.
Coding change: c.237C>T on transcript NM_001648.2 (MANE Select); coding-DNA position 237, C replaced by T.
Protein change: p.Ser79=; no amino-acid change (serine 79 retained).
Molecular consequence: synonymous variant. On other transcripts: intron variant (1).
Genome position (GRCh38, 1-based): chr19:50,858,059, C>T. VCF-style: chr19-50858059-C-T. GRCh37 (hg19) VCF-style: chr19-51361315-C-T.
Other names: c.237C>T, p.Ser79= (NM_001030047.1); c.207-99C>T (NM_001030048.1).
Identifiers: ClinVar variation 3057076 (VCV003057076.2), dbSNP rs12946, ClinGen allele CA9604378.